The following is an entry in ClinVar:

NM_001457.4(FLNB):c.2523T>G (p.Pro841=)

Genes: FLNB (filamin B; plus strand), LOC129936935 (ATAC-STARR-seq lymphoblastoid active region 19999; plus strand). Cytogenetic location: 3p14.3.
Variant type: single nucleotide variant.
Coding change: c.2523T>G on transcript NM_001457.4 (MANE Select); coding-DNA position 2523, T replaced by G.
Protein change: p.Pro841=; no amino-acid change (proline 841 retained).
Molecular consequence: synonymous variant.
Genome position (GRCh38, 1-based): chr3:58,111,829, T>G. VCF-style: chr3-58111829-T-G. GRCh37 (hg19) VCF-style: chr3-58097556-T-G.
Other names: c.2523T>G, p.Pro841= (NM_001164317.2, NM_001164318.2, NM_001164319.2).
Identifiers: ClinVar variation 346323 (VCV000346323.22), dbSNP rs376893941, ClinGen allele CA2468152.

ClinVar aggregate classification (germline): Benign/Likely benign. Review status: criteria provided, multiple submitters, no conflicts (2 of 4 stars). 6 submissions from 6 submitters: Benign (3); Likely benign (3). Last evaluated 2025-12-29.

Conditions:
Connective tissue disorder. Also called: Connective tissue disease. Identifiers: MedGen C0009782, MONDO:0003900.
Atelosteogenesis type III. Also called: Atelosteogenesis Type 3 (FLNB-AO3). Identifiers: Orphanet 56305, MedGen C3668942, MONDO:0007168, OMIM 108721.
Atelosteogenesis type I. Also called: GIANT CELL CHONDRODYSPLASIA; Atelosteogenesis Type 1 (FLNB-AO1); SPONDYLOHUMEROFEMORAL HYPOPLASIA. Identifiers: Orphanet 1190, MedGen C0265283, MONDO:0007167, OMIM 108720.
Spondylocarpotarsal synostosis syndrome (SCT). Also called: Spondylocarpotarsal Synostosis Syndrome (FLNB-SCT); Synspondylism congenital; Scoliosis, congenital with unilateral unsegmented bar; SPONDYLOCARPOTARSAL SYNDROME; VERTEBRAL FUSION WITH CARPAL COALITION. Identifiers: Orphanet 3275, MedGen C1848934, MONDO:0010094, OMIM 272460.
Boomerang dysplasia. Identifiers: Orphanet 1263, MedGen C0432201, MONDO:0007208, OMIM 112310.
Larsen syndrome (LRS). Also called: Bilateral dislocation of the knees, pes cavus, cylindrically shaped fingers and characteristic facies; Larsen syndrome (FLNB-LS). Identifiers: Orphanet 503, MedGen C0175778, MONDO:0007875, OMIM 150250. Disease mechanism: loss of function.
FLNB-Related Spectrum Disorders.

Allele frequency attached by ClinVar (database versions not stated): gnomAD 0.00002 and 0.00078; TOPMed 0.00010; gnomAD exomes 0.00139 and 0.00297; ExAC 0.00316; 1000 Genomes Project 30x 0.00406; 1000 Genomes Project 0.00419.
gnomAD v4.1: 2,146 of 1,614,158 alleles (0.13%); highest among the groups gnomAD compares: South Asian, 2.3%; 48 homozygotes.

Submissions (6):

Labcorp Genetics (formerly Invitae), Labcorp
Classification: Benign. Last evaluated: 2025-12-29. Review status: criteria provided, single submitter. Criteria: Invitae Variant Classification Sherloc (09022015). Collection method: clinical testing. Allele origin: germline.

Fulgent Genetics
Classification: Benign for Atelosteogenesis type I; Atelosteogenesis type III; Boomerang dysplasia; Larsen syndrome; Spondylocarpotarsal synostosis syndrome. Last evaluated: 2022-01-12. Review status: criteria provided, single submitter. Criteria: ACMG Guidelines, 2015. Collection method: clinical testing. Allele origin: unknown.

Genome Diagnostics Laboratory, The Hospital for Sick Children
Classification: Likely benign for Connective tissue disorder. Last evaluated: 2020-05-01. Review status: criteria provided, single submitter. Criteria: ACMG Guidelines, 2015. Collection method: clinical testing. Allele origin: germline.

GeneDx
Classification: Likely benign. Last evaluated: 2020-01-02. Review status: criteria provided, single submitter. Criteria: GeneDx Variant Classification Process June 2021. Collection method: clinical testing. Allele origin: germline. Affected: yes.

Illumina Laboratory Services, Illumina
Classification: Benign for FLNB-Related Spectrum Disorders. Last evaluated: 2018-01-13. Review status: criteria provided, single submitter. Criteria: ICSL Variant Classification Criteria 13 December 2019. Collection method: clinical testing. Allele origin: germline.
Comment: This variant was observed in the ICSL laboratory as part of a predisposition screen in an ostensibly healthy population. It had not been previously curated by ICSL or reported in the Human Gene Mutation Database (HGMD: prior to June 1st, 2018), and was therefore a candidate for classification through an automated scoring system. Utilizing variant allele frequency, disease prevalence and penetrance estimates, and inheritance mode, an automated score was calculated to assess if this variant is too frequent to cause the disease. Based on the score and internal cut-off values, a variant classified as benign is not then subjected to further curation. The score for this variant resulted in a classification of benign for this disease.

Breakthrough Genomics
Classification: Likely benign. Review status: criteria provided, single submitter. Criteria: ACMG Guidelines, 2015. Collection method: not provided. Allele origin: germline. Inheritance: Autosomal recessive inheritance. Affected: yes.